The following is an entry in ClinVar:

ClinVar aggregate classification (germline): Uncertain significance (0 of 4 stars; one submission).

Conditions:
MRAP2-related disorder. Also called: MRAP2-related condition.

gnomAD v4.1: 23 of 1,614,004 alleles (0.0014%); highest among the groups gnomAD compares: Non-Finnish European, 0.0018%; no homozygotes.

Submission:

PreventionGenetics, part of Exact Sciences
Classification: Uncertain significance for MRAP2-related condition. Last evaluated: 2024-09-12. Review status: no assertion criteria provided. Collection method: clinical testing. Allele origin: germline.
Comment: The MRAP2 c.218C>G variant is predicted to result in the amino acid substitution p.Pro73Arg. To our knowledge, this variant has not been reported in the literature. This variant is reported in 0.0023% of alleles in individuals of European (Non-Finnish) descent in gnomAD. At this time, the clinical significance of this variant is uncertain due to the absence of conclusive functional and genetic evidence.

NM_138409.4(MRAP2):c.218C>G (p.Pro73Arg)

Gene: MRAP2 (melanocortin 2 receptor accessory protein 2; plus strand). Cytogenetic location: 6q14.2.
Variant type: single nucleotide variant.
Coding change: c.218C>G on transcript NM_138409.4 (MANE Select); coding-DNA position 218, C replaced by G.
Protein change: p.Pro73Arg; replaces proline 73 with arginine.
Molecular consequence: missense variant. On other transcripts: 5 prime UTR variant (1), intron variant (1).
Genome position (GRCh38, 1-based): chr6:84,062,983, C>G. VCF-style: chr6-84062983-C-G. GRCh37 (hg19) VCF-style: chr6-84772702-C-G.
Other names: c.218C>G, p.Pro73Arg (NM_001346542.2, NM_001346544.2); c.-42C>G (NM_001346543.2); c.-32+7538C>G (NM_001346541.2); short protein forms P73R.
Identifiers: ClinVar variation 3355663 (VCV003355663.1).
Genomic context (GRCh38, chr6:84,062,983, plus strand): 5'-TTGCAGTCTTCGTGATTTTTATGTTTTTTGTGCTGACCTTGCTGACCAAGACAGGAGCCC[C>G]ACACCAAGAGTAAGTTTGGGCTGTTCCTAAATGTCTCTTAAGCCTCACAGGAGACTGAGG-3'
Protein context (NP_612418.2, residues 63-83): VLTLLTKTGA[Pro73Arg]HQDNAESSEK